The following is an entry in ClinVar:

NM_022173.4(TIA1):c.1035-7C>T

Gene: TIA1 (TIA1 cytotoxic granule associated RNA binding protein; minus strand). Cytogenetic location: 2p13.3.
Variant type: single nucleotide variant.
Coding change: c.1035-7C>T on transcript NM_022173.4 (MANE Select); 7 bases into the intron before coding-DNA position 1035, C replaced by T.
Molecular consequence: intron variant.
Genome position (GRCh38, 1-based): chr2:70,212,852, G>A on the plus strand (C>T on the coding strand, the complement: TIA1 is on the minus strand). VCF-style: chr2-70212852-G-A. GRCh37 (hg19) VCF-style: chr2-70439984-G-A.
Other names: p.?; c.891-7C>T (NM_001351513.1); c.924-7C>T (NM_001351511.1); c.897-7C>T (NM_001351512.1); c.807-7C>T (NM_001351514.2); c.615-7C>T (NM_001351524.2, NM_001351525.2); c.612-7C>T (NM_001351517.2); c.999-7C>T (NM_001351510.2); and 4 more.
Identifiers: ClinVar variation 1564800 (VCV001564800.9), dbSNP rs202093855, ClinGen allele CA1697411.

ClinVar aggregate classification (germline): Likely benign. Review status: criteria provided, multiple submitters, no conflicts (2 of 4 stars). 2 submissions from 2 submitters: Likely benign (2). Last evaluated 2025-06-16.

Conditions:
Welander distal myopathy (WDM). Also called: MUSCULAR DYSTROPHY, DISTAL, LATE-ONSET, AUTOSOMAL DOMINANT; Distal myopathy, Swedish type; Welander distal myopathy, Swedish type; Gower's muscular dystrophy. Identifiers: Orphanet 603, MedGen C0221054, MONDO:0011466, OMIM 604454.

Allele frequency attached by ClinVar (database versions not stated): ExAC 0.00002; gnomAD exomes 0.00003 and 0.00006; TOPMed 0.00005; gnomAD 0.00007; ESP Exome Variant Server 0.00008.
gnomAD v4.1: 95 of 1,605,448 alleles (0.0059%); highest among the groups gnomAD compares: Non-Finnish European, 0.0074%; no homozygotes.

Submissions (2):

Labcorp Genetics (formerly Invitae), Labcorp
Classification: Likely benign for Welander distal myopathy. Last evaluated: 2025-06-16. Review status: criteria provided, single submitter. Criteria: Invitae Variant Classification Sherloc (09022015). Collection method: clinical testing. Allele origin: germline.

Mayo Clinic Laboratories, Mayo Clinic
Classification: Likely benign. Last evaluated: 2024-12-12. Review status: criteria provided, single submitter. Criteria: ACMG Guidelines, 2015. Collection method: clinical testing. Allele origin: germline. Observed: 1 variant allele.
Comment: BP4, BP7